The following is an entry in ClinVar:

NM_001365536.1(SCN9A):c.4024T>G (p.Leu1342Val)

Genes: SCN9A (sodium voltage-gated channel alpha subunit 9; minus strand), SCN1A-AS1 (SCN1A and SCN9A antisense RNA 1; plus strand). Cytogenetic location: 2q24.3.
Variant type: single nucleotide variant.
Coding change: c.4024T>G on transcript NM_001365536.1 (MANE Select); coding-DNA position 4024, T replaced by G.
Protein change: p.Leu1342Val; replaces leucine 1342 with valine.
Molecular consequence: missense variant.
Genome position (GRCh38, 1-based): chr2:166,228,873, A>C on the plus strand (T>G on the coding strand, the complement: SCN9A is on the minus strand). VCF-style: chr2-166228873-A-C. GRCh37 (hg19) VCF-style: chr2-167085383-A-C.
Other names: c.3991T>G, p.Leu1331Val (NM_002977.4); short protein forms L1331V, L1342V.
Identifiers: ClinVar variation 2948952 (VCV002948952.3), dbSNP rs1694964146, ClinGen allele CA349064206.

ClinVar aggregate classification (germline): Uncertain significance (1 of 4 stars; one submission).

Conditions:
Neuropathy, hereditary sensory and autonomic, type 2A (HSAN2A). Also called: ACROOSTEOLYSIS, GIACCAI TYPE; ACROOSTEOLYSIS, NEUROGENIC; MORVAN DISEASE; NEUROPATHY, CONGENITAL SENSORY; NEUROPATHY, HEREDITARY SENSORY RADICULAR, AUTOSOMAL RECESSIVE; NEUROPATHY, HEREDITARY SENSORY, TYPE IIA. Identifiers: Orphanet 970, MedGen C2752089, MONDO:0024309, OMIM 201300.
Generalized epilepsy with febrile seizures plus, type 7 (GEFSP7). Also called: GEFS+, TYPE 7. Identifiers: Orphanet 36387, MedGen C2751778, MONDO:0013470, OMIM 613863.

Submission:

Labcorp Genetics (formerly Invitae), Labcorp
Classification: Uncertain significance for Neuropathy, hereditary sensory and autonomic, type 2A; Generalized epilepsy with febrile seizures plus, type 7. Last evaluated: 2023-06-16. Review status: criteria provided, single submitter. Criteria: Invitae Variant Classification Sherloc (09022015). Collection method: clinical testing. Allele origin: germline.
Comment: In summary, the available evidence is currently insufficient to determine the role of this variant in disease. Therefore, it has been classified as a Variant of Uncertain Significance. Advanced modeling of protein sequence and biophysical properties (such as structural, functional, and spatial information, amino acid conservation, physicochemical variation, residue mobility, and thermodynamic stability) performed at Invitae indicates that this missense variant is not expected to disrupt SCN9A protein function. This variant has not been reported in the literature in individuals affected with SCN9A-related conditions. This variant is not present in population databases (gnomAD no frequency). This sequence change replaces leucine, which is neutral and non-polar, with valine, which is neutral and non-polar, at codon 1331 of the SCN9A protein (p.Leu1331Val).